The following is an entry in ClinVar:

ClinVar aggregate classification (germline): Conflicting classifications of pathogenicity. Review status: criteria provided, conflicting classifications (1 of 4 stars). 2 submissions from 2 submitters: Likely pathogenic (1); Uncertain significance (1). Last evaluated 2025-08-29.

Conditions:
Alport syndrome. Also called: Hemorrhagic familial nephritis; Hemorrhagic hereditary nephritis; Congenital hereditary hematuria. Identifiers: Orphanet 63, MedGen C1567741, MONDO:0018965.

Submissions (2):

Natera, Inc.
Classification: Likely pathogenic for Alport syndrome. Last evaluated: 2025-08-29. Review status: criteria provided, single submitter. Criteria: Natera Variant Classification Schema (03/2026). Collection method: clinical testing. Allele origin: germline.
Comment: The c.2066G>A variant in COL4A3 is a missense variant predicted to cause substitution of glycine to glutamic acid at amino acid 689. This variant is rare in the general population with a frequency below the threshold expected for the associated phenotype(s). This variant is located in a functionally critical region of the protein. Computational prediction algorithms indicate this variant is likely to affect gene or protein function. Given the available evidence, this variant is classified as Likely Pathogenic.

Labcorp Genetics (formerly Invitae), Labcorp
Classification: Uncertain significance. Last evaluated: 2020-06-02. Review status: criteria provided, single submitter. Criteria: Invitae Variant Classification Sherloc (09022015). Collection method: clinical testing. Allele origin: germline.
Comment: In summary, the available evidence is currently insufficient to determine the role of this variant in disease. Therefore, it has been classified as a Variant of Uncertain Significance. Experimental studies and prediction algorithms are not available or were not evaluated, and the functional significance of this variant is currently unknown. This variant has not been reported in the literature in individuals with COL4A3-related conditions. This variant is not present in population databases (ExAC no frequency). This sequence change replaces glycine with glutamic acid at codon 689 of the COL4A3 protein (p.Gly689Glu). The glycine residue is highly conserved and there is a moderate physicochemical difference between glycine and glutamic acid.

NM_000091.5(COL4A3):c.2066G>A (p.Gly689Glu)

Genes: COL4A3 (collagen type IV alpha 3 chain; plus strand), MFF-DT (MFF divergent transcript; minus strand). Cytogenetic location: 2q36.3.
Variant type: single nucleotide variant.
Coding change: c.2066G>A on transcript NM_000091.5 (MANE Select); coding-DNA position 2066, G replaced by A.
Protein change: p.Gly689Glu; replaces glycine 689 with glutamic acid.
Molecular consequence: missense variant.
Genome position (GRCh38, 1-based): chr2:227,277,494, G>A. VCF-style: chr2-227277494-G-A. GRCh37 (hg19) VCF-style: chr2-228142210-G-A.
Other names: c.2066G>A (NM_000091.4); short protein forms G689E.
Identifiers: ClinVar variation 1019066 (VCV001019066.9), dbSNP rs2071652371, ClinGen allele CA350846837.